The following is an entry in ClinVar:

NM_002738.7(PRKCB):c.*5155G>C

Gene: PRKCB (protein kinase C beta; plus strand). Cytogenetic location: 16p12.1.
Variant type: single nucleotide variant.
Coding change: c.*5155G>C on transcript NM_002738.7 (MANE Select); 5155 bases downstream of the stop codon, G replaced by C.
Molecular consequence: 3 prime UTR variant. On other transcripts: missense variant (1).
Genome position (GRCh38, 1-based): chr16:24,219,971, G>C. VCF-style: chr16-24219971-G-C. GRCh37 (hg19) VCF-style: chr16-24231292-G-C.
Other names: c.1874G>C, p.Arg625Thr (NM_212535.3); short protein forms R625T.
Identifiers: ClinVar variation 4987230 (VCV004987230.1).
Genomic context (GRCh38, chr16:24,219,971, plus strand): 5'-TGTGTCTTTCTTCTTACGCTGTGTTAATGTGTTTACTTTCCATTTGGCAGAGAGACAAGA[G>C]AGACACCTCCAACTTCGACAAAGAGTTCACCAGACAGCCTGTGGAACTGACCCCCACTGA-3'

ClinVar aggregate classification (germline): Uncertain significance (1 of 4 stars; one submission).

Conditions:
PRKCB-related disorder. Also called: PRKCB-related condition.

Submission:

PreventionGenetics, part of Exact Sciences
Classification: Uncertain significance for PRKCB-related condition. Last evaluated: 2026-03-24. Review status: criteria provided, single submitter. Criteria: ACMG Guidelines, 2015. Collection method: clinical testing. Allele origin: germline.
Comment: The PRKCB c.1874G>C variant is predicted to result in the amino acid substitution p.Arg625Thr. To our knowledge, this variant has not been reported in the literature or in a large population database (gnomAD), indicating this variant is rare. At this time, the clinical significance of this variant is uncertain due to the absence of conclusive functional and genetic evidence.